The following is an entry in ClinVar:

ClinVar aggregate classification (germline): Likely pathogenic (1 of 4 stars; one submission).

Submission:

GeneDx
Classification: Likely pathogenic. Last evaluated: 2018-01-26. Review status: criteria provided, single submitter. Criteria: GeneDx Variant Classification (06012015). Collection method: clinical testing. Allele origin: germline. Affected: yes.
Comment: A variant that is likely pathogenic has been identified in the NSD1 gene. The E2053A variant has not been published as a pathogenic variant, nor has it been reported as a benign variant to our knowledge. The E2053A variant is not observed in large population cohorts (Lek et al., 2016; 1000 Genomes Consortium et al., 2015; Exome Variant Server). The E2053A variant is a non-conservative amino acid substitution, which is likely to impact secondary protein structure as these residues differ in polarity, charge, size and/or other properties. This substitution occurs at a conserved position predicted to be within this SET domain. Additionally, in silico analysis predicts this variant is probably damaging to the protein structure/function. Therefore, this variant is likely pathogenic; however, the possibility that it is benign cannot be excluded.

NM_022455.5(NSD1):c.6158A>C (p.Glu2053Ala)

Gene: NSD1 (nuclear receptor binding SET domain protein 1; plus strand). Cytogenetic location: 5q35.3.
Variant type: single nucleotide variant.
Coding change: c.6158A>C on transcript NM_022455.5 (MANE Select); coding-DNA position 6158, A replaced by C.
Protein change: p.Glu2053Ala; replaces glutamic acid 2053 with alanine.
Molecular consequence: missense variant.
Genome position (GRCh38, 1-based): chr5:177,288,825, A>C. VCF-style: chr5-177288825-A-C. GRCh37 (hg19) VCF-style: chr5-176715826-A-C.
Other names: c.5285A>C, p.Glu1762Ala (NM_001365684.2, NM_001409308.1, NM_172349.5); c.6158A>C, p.Glu2053Ala (NM_001409301.1, NM_001409302.1, NM_001409303.1); c.5738A>C, p.Glu1913Ala (NM_001409304.1); c.5405A>C, p.Glu1802Ala (NM_001409305.1); c.5396A>C, p.Glu1799Ala (NM_001409306.1, NM_001409307.1); short protein forms E2053A, E1784A, E1799A, E1762A, E1802A, E1913A.
Identifiers: ClinVar variation 429327 (VCV000429327.2), dbSNP rs1131691321, ClinGen allele CA362317770.